The following is an entry in ClinVar:

ClinVar aggregate classification (germline): Uncertain significance. Review status: criteria provided, multiple submitters, no conflicts (2 of 4 stars). 2 submissions from 2 submitters: Uncertain significance (2). Last evaluated 2025-12-08.

Conditions:
Hereditary cancer-predisposing syndrome. Also called: Tumor predisposition; Hereditary neoplastic syndrome; Hereditary Cancer Syndrome; Neoplastic Syndromes, Hereditary. Identifiers: Orphanet 140162, MedGen C0027672, MeSH D009386, MONDO:0015356.
Gastrointestinal stromal tumor. Also called: Gastrointestinal stroma tumor; Gastrointestinal stromal tumor, somatic. Identifiers: Orphanet 44890, MedGen C0238198, MeSH D046152, MONDO:0011719, OMIM 606764, HP:0100723.

Allele frequency attached by ClinVar (database versions not stated): gnomAD below 0.00001 and 0.00001; gnomAD exomes 0.00001 and 0.00002; TOPMed 0.00001; ExAC 0.00003.
gnomAD v4.1: 21 of 1,614,024 alleles (0.0013%); highest among the groups gnomAD compares: South Asian, 0.019%; no homozygotes.

Submissions (2):

Ambry Genetics
Classification: Uncertain significance for Hereditary cancer-predisposing syndrome. Last evaluated: 2025-12-08. Review status: criteria provided, single submitter. Criteria: Ambry Variant Classification Scheme 2023. Collection method: clinical testing. Allele origin: germline.
Comment: The p.R161K variant (also known as c.482G>A), located in coding exon 3 of the KIT gene, results from a G to A substitution at nucleotide position 482. The arginine at codon 161 is replaced by lysine, an amino acid with highly similar properties. This amino acid position is conserved. In addition, this alteration is predicted to be tolerated by in silico analysis. Since supporting evidence is limited at this time, the clinical significance of this alteration remains unclear.

Labcorp Genetics (formerly Invitae), Labcorp
Classification: Uncertain significance for Gastrointestinal stromal tumor. Last evaluated: 2024-12-04. Review status: criteria provided, single submitter. Criteria: Invitae Variant Classification Sherloc (09022015). Collection method: clinical testing. Allele origin: germline.
Comment: This sequence change replaces arginine, which is basic and polar, with lysine, which is basic and polar, at codon 161 of the KIT protein (p.Arg161Lys). This variant is present in population databases (rs764280416, gnomAD 0.01%). This variant has not been reported in the literature in individuals affected with KIT-related conditions. ClinVar contains an entry for this variant (Variation ID: 528537). An algorithm developed to predict the effect of missense changes on protein structure and function outputs the following: PolyPhen-2: "Benign". The lysine amino acid residue is found in multiple mammalian species, which suggests that this missense change does not adversely affect protein function. In summary, the available evidence is currently insufficient to determine the role of this variant in disease. Therefore, it has been classified as a Variant of Uncertain Significance.

NM_000222.3(KIT):c.482G>A (p.Arg161Lys)

Gene: KIT (KIT proto-oncogene, receptor tyrosine kinase; plus strand). Cytogenetic location: 4q12.
Variant type: single nucleotide variant.
Coding change: c.482G>A on transcript NM_000222.3 (MANE Select); coding-DNA position 482, G replaced by A.
Protein change: p.Arg161Lys; replaces arginine 161 with lysine.
Molecular consequence: missense variant.
Genome position (GRCh38, 1-based): chr4:54,698,428, G>A. VCF-style: chr4-54698428-G-A. GRCh37 (hg19) VCF-style: chr4-55564594-G-A.
Other names: c.482G>A, p.Arg161Lys (NM_001093772.2, NM_001385284.1, NM_001385285.1 and 4 more transcripts); short protein forms R161K.
Identifiers: ClinVar variation 528537 (VCV000528537.12), dbSNP rs764280416, ClinGen allele CA2923250.